The following is an entry in ClinVar:

NM_001370466.1(NOD2):c.8C>T (p.Ser3Leu)

Gene: NOD2 (nucleotide binding oligomerization domain containing 2; plus strand). Cytogenetic location: 16q12.1.
Variant type: single nucleotide variant.
Coding change: c.8C>T on transcript NM_001370466.1 (MANE Select); coding-DNA position 8, C replaced by T.
Protein change: p.Ser3Leu; replaces serine 3 with leucine.
Molecular consequence: missense variant. On other transcripts: non-coding transcript variant (1).
Genome position (GRCh38, 1-based): chr16:50,699,503, C>T. VCF-style: chr16-50699503-C-T. GRCh37 (hg19) VCF-style: chr16-50733414-C-T.
Other names: c.8C>T, p.Ser3Leu (NM_001293557.2); c.89C>T, p.Ser30Leu (NM_022162.3); short protein forms S30L, S3L.
Identifiers: ClinVar variation 1694122 (VCV001694122.8), dbSNP rs768775316, ClinGen allele CA8051197.

ClinVar aggregate classification (germline): Uncertain significance. Review status: criteria provided, multiple submitters, no conflicts (2 of 4 stars). 2 submissions from 2 submitters: Uncertain significance (2). Last evaluated 2025-08-23.

Conditions:
Blau syndrome (BLAUS). Also called: GRANULOMATOSIS, FAMILIAL JUVENILE SYSTEMIC; GRANULOMATOSIS, FAMILIAL, BLAU TYPE; GRANULOMATOUS INFLAMMATORY ARTHRITIS, DERMATITIS, AND UVEITIS, FAMILIAL; JABS SYNDROME; ARTHROCUTANEOUVEAL GRANULOMATOSIS. Identifiers: Orphanet 90340, MedGen C5201146, MONDO:0008523, OMIM 186580.
Regional enteritis. Also called: Enteritis, Granulomatous. Identifiers: MedGen C0678202, MeSH D003424.
Autoinflammatory syndrome. Identifiers: Orphanet 93665, MedGen C3890737, MONDO:0019751.

Allele frequency attached by ClinVar (database versions not stated): ExAC 0.00003.
gnomAD v4.1: 37 of 1,613,198 alleles (0.0023%); highest among the groups gnomAD compares: Non-Finnish European, 0.003%; no homozygotes.

Submissions (2):

Labcorp Genetics (formerly Invitae), Labcorp
Classification: Uncertain significance for Regional enteritis; Blau syndrome. Last evaluated: 2025-08-23. Review status: criteria provided, single submitter. Criteria: Invitae Variant Classification Sherloc (09022015). Collection method: clinical testing. Allele origin: germline.
Comment: This sequence change replaces serine, which is neutral and polar, with leucine, which is neutral and non-polar, at codon 30 of the NOD2 protein (p.Ser30Leu). This variant is present in population databases (rs768775316, gnomAD 0.007%). This variant has not been reported in the literature in individuals affected with NOD2-related conditions. ClinVar contains an entry for this variant (Variation ID: 1694122). Invitae Evidence Modeling of protein sequence and biophysical properties (such as structural, functional, and spatial information, amino acid conservation, physicochemical variation, residue mobility, and thermodynamic stability) indicates that this missense variant is not expected to disrupt NOD2 protein function with a negative predictive value of 95%. In summary, the available evidence is currently insufficient to determine the role of this variant in disease. Therefore, it has been classified as a Variant of Uncertain Significance.

Genome Diagnostics Laboratory, The Hospital for Sick Children
Classification: Uncertain significance for Autoinflammatory syndrome. Last evaluated: 2021-04-27. Review status: criteria provided, single submitter. Criteria: ACMG Guidelines, 2015. Collection method: clinical testing. Allele origin: germline. Affected: yes.